The following is an entry in ClinVar:

ClinVar aggregate classification (germline): Conflicting classifications of pathogenicity. Review status: criteria provided, conflicting classifications (1 of 4 stars). 6 submissions from 6 submitters: Uncertain significance (3); Likely benign (2). 1 of the submissions does not count toward it. Last evaluated 2026-06-30.

Conditions:
Zellweger spectrum disorders (ZS). Also called: Zellweger syndrome; Zellweger Spectrum Disorder (ZSD); Zellweger Spectrum Disorder; Zellweger Spectrum. Identifiers: Orphanet 912, MedGen C0043459, MONDO:0019609.
Peroxisome biogenesis disorder 6A (Zellweger). Also called: Peroxisome biogenesis disorder 6A. Identifiers: Orphanet 912, MedGen C3553947, MONDO:0013936, OMIM 614870.
PEX10-related disorder. Also called: PEX10-related condition.
Peroxisome biogenesis disorder, complementation group 7 (CG7). Also called: Peroxisome biogenesis disorder, complementation group B. Identifiers: MedGen C1864399.

Allele frequency attached by ClinVar (database versions not stated): ESP Exome Variant Server 0.00008; TOPMed 0.00009; gnomAD 0.00011; ExAC 0.00019.
gnomAD v4.1: 157 of 1,592,596 alleles (0.0099%); highest among the groups gnomAD compares: East Asian, 0.1%; no homozygotes.

Submissions (8):

PreventionGenetics, part of Exact Sciences
Classification: Uncertain significance for PEX10-related condition. Last evaluated: 2026-06-30. Review status: criteria provided, single submitter. Criteria: ACMG Guidelines, 2015. Collection method: clinical testing. Allele origin: germline.
Comment: The PEX10 c.975G>A variant is not predicted to result in an amino acid change (p.=). This variant is predicted to impact splicing based on available splicing prediction programs (SpliceAI, Jaganathan et al. 2019. PubMed ID: 30661751). To our knowledge, this variant has not been reported in the literature. This variant is reported in 0.11% of alleles in individuals of East Asian descent in gnomAD. Although we suspect that this variant may be benign, at this time, the clinical significance of this variant is uncertain due to the absence of conclusive functional and genetic evidence.

Labcorp Genetics (formerly Invitae), Labcorp
Classification: Likely benign for Peroxisome biogenesis disorder, complementation group 7. Last evaluated: 2026-01-27. Review status: criteria provided, single submitter. Criteria: Invitae Variant Classification Sherloc (09022015). Collection method: clinical testing. Allele origin: germline.

Blueprint Genetics
Classification: Likely benign. Last evaluated: 2024-11-11. Review status: criteria provided, single submitter. Criteria: ACMG Guidelines, 2015. Collection method: clinical testing. Allele origin: germline.

Illumina Laboratory Services, Illumina
Classification: Uncertain significance for Peroxisome biogenesis disorder 6A (Zellweger). Last evaluated: 2018-01-12. Review status: criteria provided, single submitter. Criteria: ICSL Variant Classification Criteria 13 December 2019. Collection method: clinical testing. Allele origin: germline.

Eurofins Ntd Llc (ga)
Classification: Uncertain significance. Last evaluated: 2016-03-09. Review status: criteria provided, single submitter. Criteria: EGL Classification Definitions 2015. Collection method: clinical testing. Allele origin: germline. Observed: 1 variant allele, 1 heterozygote.

Natera, Inc.
Classification: Uncertain significance for Zellweger syndrome. Last evaluated: 2019-10-28. Review status: no assertion criteria provided. Collection method: clinical testing. Allele origin: germline. Not counted in ClinVar's aggregate classification.

Dr. Peter K. Rogan Lab, Western University
No classification provided (evidence only). Condition: Malignant tumor of urinary bladder. Review status: no classification provided. Collection method: in vitro. Allele origin: not applicable. Functional consequence: retained intron. Not counted in ClinVar's aggregate classification.

Dr. Peter K. Rogan Lab, Western University
No classification provided (evidence only). Condition: Lung cancer. Review status: no classification provided. Collection method: in vitro. Allele origin: not applicable. Functional consequence: retained intron. Not counted in ClinVar's aggregate classification.

NM_002617.4(PEX10):c.915G>A (p.Ala305=)

Gene: PEX10 (peroxisomal biogenesis factor 10; minus strand). Cytogenetic location: 1p36.32.
Variant type: single nucleotide variant.
Coding change: c.915G>A on transcript NM_002617.4 (MANE Select); coding-DNA position 915, G replaced by A.
Protein change: p.Ala305=; no amino-acid change (alanine 305 retained).
Molecular consequence: synonymous variant. On other transcripts: non-coding transcript variant (1).
Genome position (GRCh38, 1-based): chr1:2,405,832, C>T on the plus strand (G>A on the coding strand, the complement: PEX10 is on the minus strand). VCF-style: chr1-2405832-C-T. GRCh37 (hg19) VCF-style: chr1-2337271-C-T.
Other names: c.972G>A, p.Ala324= (NM_001374425.1); c.540G>A, p.Ala180= (NM_001374426.1); c.483G>A, p.Ala161= (NM_001374427.1); c.975G>A, p.Ala325= (NM_153818.2).
Identifiers: ClinVar variation 286858 (VCV000286858.22), dbSNP rs374891812, ClinGen allele CA537953.
Genomic context (GRCh38, chr1:2,405,832, plus strand): 5'-GTAGTGCCGAAGGTAGATGAGCTTCTGGGGAGGGAACTTCTCCCGGCAGAGGGGACACTC[C>T]GCCTGCGGAGAGGAGAAAGGGGGTCACAGCAGCTGGGGCCACTGGGCCATGCCCATCCCC-3'
Protein context (NP_002608.1, residues 295-315): ECITAWCSSK[Ala305=]ECPLCREKFP